The following is an entry in ClinVar:

NM_032782.5(HAVCR2):c.478+116G>A

Gene: HAVCR2 (hepatitis A virus cellular receptor 2; minus strand). Cytogenetic location: 5q33.3.
Variant type: single nucleotide variant.
Coding change: c.478+116G>A on transcript NM_032782.5 (MANE Select); 116 bases into the intron after coding-DNA position 478, G replaced by A.
Molecular consequence: intron variant.
Genome position (GRCh38, 1-based): chr5:157,104,550, C>T on the plus strand (G>A on the coding strand, the complement: HAVCR2 is on the minus strand). VCF-style: chr5-157104550-C-T. GRCh37 (hg19) VCF-style: chr5-156531561-C-T.
Identifiers: ClinVar variation 2688135 (VCV002688135.2), dbSNP rs2902306, ClinGen allele CA15409823.

ClinVar aggregate classification (germline): Benign (1 of 4 stars; one submission).

Allele frequency attached by ClinVar (database versions not stated): TOPMed 0.83610; 1000 Genomes Project 30x 0.88086; 1000 Genomes Project 0.88299.
gnomAD v4.1: 538,450 of 644,288 alleles (84%); highest among the groups gnomAD compares: East Asian, 98%; 226,292 homozygotes.

Submission:

Unidad de Genómica Garrahan, Hospital de Pediatría Garrahan
Classification: Benign. Last evaluated: 2024-01-24. Review status: criteria provided, single submitter. Criteria: ACMG Guidelines, 2015. Collection method: clinical testing. Allele origin: germline. Affected: no. Observed: 45 variant alleles.
Comment: This variant is classified as Benign based on local population frequency. This variant was detected in 47% of patients studied by a panel of primary immunodeficiencies. Number of patients: 45. Only high quality variants are reported.